The following is an entry in ClinVar:

NM_001372076.1(PAX9):c.543dup (p.Ile182fs)

Gene: PAX9 (paired box 9; plus strand). Cytogenetic location: 14q13.3.
Variant type: Duplication.
Coding change: c.543dup on transcript NM_001372076.1 (MANE Select); coding-DNA position 543, one base duplicated (C; older notation c.543dupC).
Protein change: p.Ile182fs; shifts the reading frame from isoleucine 182.
Molecular consequence: frameshift variant.
Genome position (GRCh38, 1-based): chr14:36,663,435, C duplicated; the last of 2 consecutive C bases (chr14:36,663,434-36,663,435); duplicating either gives the same sequence. VCF-style (leftmost placement, unchanged base first): chr14-36663433-G-GC. GRCh37 (hg19) VCF-style: chr14-37132638-G-GC.
Other names: NM_006194.4:c.543dup; c.543dupC (NM_006194.3); c.543dup, p.Ile182fs (NM_006194.4); short protein forms I182fs.
Identifiers: ClinVar variation 817799 (VCV000817799.3), dbSNP rs1594467393, ClinGen allele CA915948671.

ClinVar aggregate classification (germline): Pathogenic. Review status: criteria provided, multiple submitters, no conflicts (2 of 4 stars). 2 submissions from 2 submitters: Pathogenic (2). Last evaluated 2026-08-26.

Conditions:
Tooth agenesis, selective, 3 (STHAG3). Also called: HYPODONTIA/OLIGODONTIA 3. Identifiers: Orphanet 99798, MedGen C1970291, MONDO:0011477, OMIM 604625. Disease mechanism: loss of function.

Submissions (2):

Broad Center for Mendelian Genomics, Broad Institute of MIT and Harvard
Classification: Pathogenic for Tooth agenesis, selective, 3. Last evaluated: 2026-08-26. Review status: criteria provided, single submitter. Criteria: ACMG Guidelines, 2015. Collection method: research. Allele origin: germline. Inheritance: Autosomal dominant inheritance. Study: GREGoR Consortium.
Comment: Trio genome analysis showed this variant to be de novo. The p.Ile182HisfsTer135 variant in PAX9 has not been previously reported in the literature in individuals with tooth agenesis, and was absent from large population studies. This variant has been reported in ClinVar (Variation ID: 817799) and has been reported as pathogenic by GeneDx. This variant is predicted to cause a frameshift, which alters the protein’s amino acid sequence beginning at position 182 and leads to a premature termination codon135 amino acids downstream. This alteration is then predicted to lead to a truncated or absent protein. Heterozygous loss of function of the PAX9 gene is an established disease mechanism in tooth agenesis. In summary, this variant meets criteria to be classified as pathogenic for autosomal dominant tooth agenesis. ACMG/AMP Criteria applied: PVS1, PS2_moderate, PM2_supporting (Richards 2015).

GeneDx
Classification: Pathogenic. Last evaluated: 2021-02-26. Review status: criteria provided, single submitter. Criteria: GeneDx Variant Classification Process June 2021. Collection method: clinical testing. Allele origin: germline. Affected: yes.
Comment: Frameshift variant predicted to result in protein truncation, as the last 160 amino acids are replaced with 134 different amino acids, and other loss-of-function variants have been reported downstream in the Human Gene Mutation Database (Stenson et al., 2014); Not observed in large population cohorts (Lek et al., 2016); Has not been previously published as pathogenic or benign to our knowledge